The following is an entry in ClinVar:

NM_019032.6(ADAMTSL4):c.2988dup (p.Cys997fs)

Gene: ADAMTSL4 (ADAMTS like 4; plus strand). Cytogenetic location: 1q21.2.
Variant type: Duplication.
Coding change: c.2988dup on transcript NM_019032.6 (MANE Select); coding-DNA position 2988, one base duplicated (G; older notation c.2988dupG).
Protein change: p.Cys997fs; shifts the reading frame from cysteine 997.
Molecular consequence: frameshift variant.
Genome position (GRCh38, 1-based): chr1:150,559,805, G duplicated. VCF-style (leftmost placement, unchanged base first): chr1-150559804-A-AG. GRCh37 (hg19) VCF-style: chr1-150532280-A-AG.
Other names: c.2871dup, p.Cys958fs (NM_001288607.2); c.3057dup, p.Cys1020fs (NM_001288608.2); c.2988dup, p.Cys997fs (NM_001378596.1); short protein forms C1020fs, C958fs, C997fs.
Identifiers: ClinVar variation 2585477 (VCV002585477.1), dbSNP rs2526795873, ClinGen allele CA2582342421.

ClinVar aggregate classification (germline): Uncertain significance (1 of 4 stars; one submission).

Conditions:
Ectopia lentis et pupillae. Also called: ECTOPIA LENTIS WITH ECTOPIA OF PUPIL. Identifiers: Orphanet 1885, MedGen C1644196, MONDO:0009153, OMIM 225200.

Submission:

Neuberg Centre For Genomic Medicine, NCGM
Classification: Uncertain significance for Ectopia lentis et pupillae. Review status: criteria provided, single submitter. Criteria: ACMG Guidelines, 2015. Collection method: clinical testing. Allele origin: germline. Inheritance: Autosomal recessive inheritance. Affected: yes.
Comment: The c.3057dup (p.Cys1020ValfsTer25) frameshift variant in ADAMTSL4 gene has not been reported previously as a pathogenic variant nor as a benign variant, to our knowledge. The p.Cys1020ValfsTer25 variant is novel (not in any individuals) in gnomAD Exomes and 1000 Genomes. This variant causes a frameshift starting with codon Cysteine 1020, changes this amino acid to Valine residue, and creates a premature Stop codon at position 25 of the new reading frame, denoted p.Cys1020ValfsTer25. Loss of function variants have been previously reported to be disease causing. However since this variant is present in the penultimate exon functional studies will be required to prove protein truncation. For these reasons, this variant has been classified as Variant of Uncertain Significance (VUS).